The following is an entry in ClinVar:

ClinVar aggregate classification (germline): Uncertain significance. Review status: criteria provided, multiple submitters, no conflicts (2 of 4 stars). 3 submissions from 3 submitters: Uncertain significance (2). 1 of the submissions does not count toward it. Last evaluated 2024-11-13.

Conditions:
Hearing loss, autosomal dominant 71. Also called: DEAFNESS, AUTOSOMAL DOMINANT 71. Identifiers: MedGen C4539881, MONDO:0033258, OMIM 617605.
Inborn genetic diseases. Identifiers: MedGen C0950123, MeSH D030342.

Allele frequency attached by ClinVar (database versions not stated): gnomAD exomes below 0.00001; gnomAD 0.00001.
gnomAD v4.1: 3 of 1,592,352 alleles (0.00019%); highest among the groups gnomAD compares: Admixed American, 0.0037%; no homozygotes.

Submissions (3):

Ambry Genetics
Classification: Uncertain significance for Inborn genetic diseases. Last evaluated: 2024-11-13. Review status: criteria provided, single submitter. Criteria: Ambry Variant Classification Scheme 2023. Collection method: clinical testing. Allele origin: germline.

Labcorp Genetics (formerly Invitae), Labcorp
Classification: Uncertain significance. Last evaluated: 2022-04-19. Review status: criteria provided, single submitter. Criteria: Invitae Variant Classification Sherloc (09022015). Collection method: clinical testing. Allele origin: germline.
Comment: In summary, the available evidence is currently insufficient to determine the role of this variant in disease. Therefore, it has been classified as a Variant of Uncertain Significance. This sequence change replaces valine, which is neutral and non-polar, with isoleucine, which is neutral and non-polar, at codon 2767 of the DMXL2 protein (p.Val2767Ile). This variant is present in population databases (no rsID available, gnomAD 0.1%). This variant has not been reported in the literature in individuals affected with DMXL2-related conditions. Algorithms developed to predict the effect of missense changes on protein structure and function are either unavailable or do not agree on the potential impact of this missense change (SIFT: "Deleterious"; PolyPhen-2: "Probably Damaging"; Align-GVGD: "Class C0").

Institute of Human Genetics, University of Wuerzburg
Classification: Uncertain significance for Hearing loss, autosomal dominant 71. Review status: no assertion criteria provided. Collection method: clinical testing. Allele origin: unknown. Affected: yes. Observed: 1 variant allele. Not counted in ClinVar's aggregate classification.

NM_001378457.1(DMXL2):c.8362G>A (p.Val2788Ile)

Gene: DMXL2 (Dmx like 2; minus strand). Cytogenetic location: 15q21.2.
Variant type: single nucleotide variant.
Coding change: c.8362G>A on transcript NM_001378457.1 (MANE Select); coding-DNA position 8362, G replaced by A.
Protein change: p.Val2788Ile; replaces valine 2788 with isoleucine.
Molecular consequence: missense variant. On other transcripts: non-coding transcript variant (2).
Genome position (GRCh38, 1-based): chr15:51,456,345, C>T on the plus strand (G>A on the coding strand, the complement: DMXL2 is on the minus strand). VCF-style: chr15-51456345-C-T. GRCh37 (hg19) VCF-style: chr15-51748542-C-T.
Other names: c.8299G>A, p.Val2767Ile (NM_001174116.3); c.6388G>A, p.Val2130Ile (NM_001174117.3); c.8359G>A, p.Val2787Ile (NM_001378458.1); c.8074G>A, p.Val2692Ile (NM_001378459.1); c.6277G>A, p.Val2093Ile (NM_001378460.1); c.8296G>A, p.Val2766Ile (NM_015263.5); short protein forms V2692I, V2130I, V2767I, V2766I, V2093I, V2787I, V2788I.
Identifiers: ClinVar variation 1954495 (VCV001954495.5), dbSNP rs1321790012, ClinGen allele CA392434772.